The following is an entry in ClinVar:

ClinVar aggregate classification (germline): Uncertain significance. Review status: criteria provided, multiple submitters, no conflicts (2 of 4 stars). 3 submissions from 3 submitters: Uncertain significance (2). 1 of the submissions does not count toward it. Last evaluated 2026-04-01.

Conditions:
Primary ciliary dyskinesia. Also called: Ciliary dyskinesia. Identifiers: Orphanet 244, MedGen C0008780, MONDO:0016575, HP:0012265.

Allele frequency attached by ClinVar (database versions not stated): TOPMed 0.00001; ExAC 0.00002; gnomAD 0.00002.
gnomAD v4.1: 41 of 1,613,210 alleles (0.0025%); highest among the groups gnomAD compares: Middle Eastern, 0.017%; no homozygotes.

Submissions (3):

Ambry Genetics
Classification: Uncertain significance for Primary ciliary dyskinesia. Last evaluated: 2026-04-01. Review status: criteria provided, single submitter. Criteria: Ambry Variant Classification Scheme 2023. Collection method: clinical testing. Allele origin: germline.

Labcorp Genetics (formerly Invitae), Labcorp
Classification: Uncertain significance for Primary ciliary dyskinesia. Last evaluated: 2021-08-30. Review status: criteria provided, single submitter. Criteria: Invitae Variant Classification Sherloc (09022015). Collection method: clinical testing. Allele origin: germline.
Comment: This sequence change replaces histidine with arginine at codon 1905 of the DNAH5 protein (p.His1905Arg). The histidine residue is moderately conserved and there is a small physicochemical difference between histidine and arginine. This variant is present in population databases (rs776745317, ExAC 0.006%). This variant has not been reported in the literature in individuals affected with DNAH5-related conditions. Algorithms developed to predict the effect of missense changes on protein structure and function output the following: SIFT: "Tolerated"; PolyPhen-2: "Benign"; Align-GVGD: "Class C0". The arginine amino acid residue is found in multiple mammalian species, which suggests that this missense change does not adversely affect protein function. Algorithms developed to predict the effect of sequence changes on RNA splicing suggest that this variant may create or strengthen a splice site. In summary, the available evidence is currently insufficient to determine the role of this variant in disease. Therefore, it has been classified as a Variant of Uncertain Significance.

Natera, Inc.
Classification: Uncertain significance for Primary ciliary dyskinesia. Last evaluated: 2020-09-16. Review status: no assertion criteria provided. Collection method: clinical testing. Allele origin: germline. Not counted in ClinVar's aggregate classification.

NM_001369.3(DNAH5):c.5714A>G (p.His1905Arg)

Gene: DNAH5 (dynein axonemal heavy chain 5; minus strand). Cytogenetic location: 5p15.2.
Variant type: single nucleotide variant.
Coding change: c.5714A>G on transcript NM_001369.3 (MANE Select); coding-DNA position 5714, A replaced by G.
Protein change: p.His1905Arg; replaces histidine 1905 with arginine.
Molecular consequence: missense variant.
Genome position (GRCh38, 1-based): chr5:13,839,524, T>C on the plus strand (A>G on the coding strand, the complement: DNAH5 is on the minus strand). VCF-style: chr5-13839524-T-C. GRCh37 (hg19) VCF-style: chr5-13839633-T-C.
Other names: short protein forms H1905R.
Identifiers: ClinVar variation 864234 (VCV000864234.5), dbSNP rs776745317, ClinGen allele CA3203583.